The following is an entry in ClinVar:

ClinVar aggregate classification (germline): Uncertain significance. Review status: criteria provided, single submitter (1 of 4 stars). 2 submissions from 2 submitters: Uncertain significance (1). 1 of the submissions does not count toward it. Last evaluated 2024-02-13.

Conditions:
NTRK2-related disorder. Also called: NTRK2-related condition.
Obesity, hyperphagia, and developmental delay (OBHD). Identifiers: Orphanet 99704, MedGen C3151303, MONDO:0013483, OMIM 613886.

Submissions (2):

Institute of Human Genetics, University of Leipzig Medical Center
Classification: Uncertain significance for Obesity, hyperphagia, and developmental delay. Last evaluated: 2024-02-13. Review status: criteria provided, single submitter. Criteria: ACMG Guidelines, 2015. Collection method: clinical testing. Allele origin: unknown. Inheritance: Autosomal dominant inheritance. Affected: yes. Observed: 1 variant allele.
Comment: Criteria applied: PM2_Sup, PP3

PreventionGenetics, part of Exact Sciences
Classification: Uncertain significance for NTRK2-related condition. Last evaluated: 2024-09-25. Review status: no assertion criteria provided. Collection method: clinical testing. Allele origin: germline. Not counted in ClinVar's aggregate classification.
Comment: The NTRK2 c.2072G>A variant is predicted to result in the amino acid substitution p.Arg691His. To our knowledge, this variant has not been reported in the literature or in a large population database, indicating this variant is rare. At this time, the clinical significance of this variant is uncertain due to the absence of conclusive functional and genetic evidence.

NM_006180.6(NTRK2):c.2072G>A (p.Arg691His)

Gene: NTRK2 (neurotrophic receptor tyrosine kinase 2; plus strand). Cytogenetic location: 9q21.33.
Variant type: single nucleotide variant.
Coding change: c.2072G>A on transcript NM_006180.6 (MANE Select); coding-DNA position 2072, G replaced by A.
Protein change: p.Arg691His; replaces arginine 691 with histidine.
Molecular consequence: missense variant.
Genome position (GRCh38, 1-based): chr9:84,955,417, G>A. VCF-style: chr9-84955417-G-A. GRCh37 (hg19) VCF-style: chr9-87570332-G-A.
Other names: c.2024G>A, p.Arg675His (NM_001018064.3, NM_001369532.1, NM_001369533.1); c.1988G>A, p.Arg663His (NM_001369534.1); c.1556G>A, p.Arg519His (NM_001369535.1); c.1604G>A, p.Arg535His (NM_001369536.1); c.2072G>A, p.Arg691His (NM_001381928.1); c.2072G>A (NM_006180.4); short protein forms R519H, R535H, R663H, R675H, R691H.
Identifiers: ClinVar variation 3068734 (VCV003068734.2), dbSNP rs2132976631, ClinGen allele CA374010180.